The following is an entry in ClinVar:

NM_001853.4(COL9A3):c.1801_1803del (p.Arg601del)

Gene: COL9A3 (collagen type IX alpha 3 chain; plus strand). Cytogenetic location: 20q13.33.
Variant type: Deletion.
Coding change: c.1801_1803del on transcript NM_001853.4 (MANE Select); coding-DNA positions 1801 to 1803, 3 bases deleted (AGA; older notation c.1801_1803delAGA).
Protein change: p.Arg601del; deletes arginine 601.
Molecular consequence: inframe deletion.
Genome position (GRCh38, 1-based): chr20:62,838,698-62,838,700, AGA deleted. VCF-style (leftmost placement, unchanged base first): chr20-62838697-CAGA-C. GRCh37 (hg19) VCF-style: chr20-61470049-CAGA-C.
Other names: short protein forms R601del.
Identifiers: ClinVar variation 2745305 (VCV002745305.3), dbSNP rs2516093527, ClinGen allele CA2697547444.
Genomic context (GRCh38, chr20:62,838,697, plus strand): 5'-TGCAACAGATACTCTAACCATATGTCTGTGTCCACACCTCGTGACAGGAAACCAGGGTGA[CAGA>C]GGAGACAAAGGCGCGGCAGGAGCAGGGCTGGACGGGCCTGAAGGAGACCAGGGGCCCCAA-3'

ClinVar aggregate classification (germline): Uncertain significance (1 of 4 stars; one submission).

Submission:

Labcorp Genetics (formerly Invitae), Labcorp
Classification: Uncertain significance. Last evaluated: 2023-10-05. Review status: criteria provided, single submitter. Criteria: Invitae Variant Classification Sherloc (09022015). Collection method: clinical testing. Allele origin: germline.
Comment: This variant, c.1801_1803del, results in the deletion of 1 amino acid(s) of the COL9A3 protein (p.Arg601del), but otherwise preserves the integrity of the reading frame. This variant is not present in population databases (gnomAD no frequency). This variant has not been reported in the literature in individuals affected with COL9A3-related conditions. Experimental studies and prediction algorithms are not available or were not evaluated, and the functional significance of this variant is currently unknown. In summary, the available evidence is currently insufficient to determine the role of this variant in disease. Therefore, it has been classified as a Variant of Uncertain Significance.